The following is an entry in ClinVar:

NM_022132.5(MCCC2):c.383+2del

Gene: MCCC2 (methylcrotonyl-CoA carboxylase subunit 2; plus strand). Cytogenetic location: 5q13.2.
Variant type: Deletion.
Coding change: c.383+2del on transcript NM_022132.5 (MANE Select); the canonical splice donor site of the intron after coding-DNA position 383, one base deleted (T; older notation c.383+2delT).
Molecular consequence: splice donor variant.
Genome position (GRCh38, 1-based): chr5:71,599,762, T deleted. VCF-style (leftmost placement, unchanged base first): chr5-71599761-GT-G. GRCh37 (hg19) VCF-style: chr5-70895588-GT-G.
Other names: c.383+2del (NM_001363147.1); c.383+2delT (NM_022132.4).
Identifiers: ClinVar variation 1474479 (VCV001474479.12), dbSNP rs1745349463, ClinGen allele CA1077346430.

ClinVar aggregate classification (germline): Likely pathogenic. Review status: criteria provided, multiple submitters, no conflicts (2 of 4 stars). 4 submissions from 4 submitters: Likely pathogenic (4). Last evaluated 2025-10-01.

Conditions:
3-methylcrotonyl-CoA carboxylase 2 deficiency. Also called: METHYLCROTONYLGLYCINURIA, TYPE II; 3 alpha methylcrotonyl-CoA carboxylase 2 deficiency; 3 alpha methylcrotonylglycinuria 2; MCC 2 deficiency; Methylcrotonylglycinuria type 2. Identifiers: Orphanet 6, MedGen C1859499, MONDO:0008862, OMIM 210210.

Allele frequency attached by ClinVar (database versions not stated): gnomAD exomes below 0.00001; TOPMed below 0.00001; gnomAD 0.00001.

Submissions (4):

Labcorp Genetics (formerly Invitae), Labcorp
Classification: Likely pathogenic for 3-methylcrotonyl-CoA carboxylase 2 deficiency. Last evaluated: 2025-10-01. Review status: criteria provided, single submitter. Criteria: Invitae Variant Classification Sherloc (09022015). Collection method: clinical testing. Allele origin: germline.
Comment: This sequence change affects a splice site in intron 4 of the MCCC2 gene. It is expected to disrupt RNA splicing. Variants that disrupt the donor or acceptor splice site typically lead to a loss of protein function (PMID: 16199547), and loss-of-function variants in MCCC2 are known to be pathogenic (PMID: 11181649, 22642865). This variant is not present in population databases (gnomAD no frequency). This variant has not been reported in the literature in individuals affected with MCCC2-related conditions. ClinVar contains an entry for this variant (Variation ID: 1474479). Algorithms developed to predict the effect of sequence changes on RNA splicing suggest that this variant may disrupt the consensus splice site. In summary, the currently available evidence indicates that the variant is pathogenic, but additional data are needed to prove that conclusively. Therefore, this variant has been classified as Likely Pathogenic.

Natera, Inc.
Classification: Likely pathogenic for 3-methylcrotonyl-CoA carboxylase 2 deficiency. Last evaluated: 2025-03-14. Review status: criteria provided, single submitter. Criteria: Natera Variant Classification Schema (03/2026). Collection method: clinical testing. Allele origin: germline.
Comment: The c.383+2delT variant in MCCC2 is a canonical splice donor site variant predicted to affect pre-mRNA splicing, which may result in an abnormal transcript and altered protein product. This variant is expected to result in nonsense mediated decay, truncation, or a dysfunctional protein product. This variant is rare in the general population with a frequency below the threshold expected for the associated phenotype(s). Given the available evidence, this variant is classified as Likely Pathogenic.

Fulgent Genetics
Classification: Likely pathogenic for 3-methylcrotonyl-CoA carboxylase 2 deficiency. Last evaluated: 2024-01-17. Review status: criteria provided, single submitter. Criteria: ACMG Guidelines, 2015. Collection method: clinical testing. Allele origin: germline.

Revvity Omics, Revvity
Classification: Likely pathogenic for 3-methylcrotonyl-CoA carboxylase 2 deficiency. Last evaluated: 2022-02-24. Review status: criteria provided, single submitter. Criteria: ACMG Guidelines, 2015. Collection method: clinical testing. Allele origin: germline.

Literature cited by the submitters: PubMed 16199547 (cited by Labcorp Genetics (formerly Invitae), Labcorp); PubMed 11181649 (cited by Labcorp Genetics (formerly Invitae), Labcorp); PubMed 22642865 (cited by Labcorp Genetics (formerly Invitae), Labcorp).